The following is an entry in ClinVar:

NM_000404.4(GLB1):c.1697C>A (p.Pro566His)

Gene: GLB1 (galactosidase beta 1; minus strand). Cytogenetic location: 3p22.3.
Variant type: single nucleotide variant.
Coding change: c.1697C>A on transcript NM_000404.4 (MANE Select); coding-DNA position 1697, C replaced by A.
Protein change: p.Pro566His; replaces proline 566 with histidine.
Molecular consequence: missense variant.
Genome position (GRCh38, 1-based): chr3:33,014,093, G>T on the plus strand (C>A on the coding strand, the complement: GLB1 is on the minus strand). VCF-style: chr3-33014093-G-T. GRCh37 (hg19) VCF-style: chr3-33055585-G-T.
Other names: c.1607C>A, p.Pro536His (NM_001079811.3); c.1304C>A, p.Pro435His (NM_001135602.3); c.1841C>A, p.Pro614His (NM_001317040.2); c.1697C>A, p.Pro566His (NM_001393580.1); short protein forms P435H, P536H, P614H, P566H.
Identifiers: ClinVar variation 645125 (VCV000645125.7), dbSNP rs1575410340, ClinGen allele CA351983787.
Genomic context (GRCh38, chr3:33,014,093, plus strand): 5'-ACCCTTCCCATGAAGACACGTACCTTGGTCCATCCAGGAAACTGGATAAAGGTGTCCTGG[G>T]GCAAGTCTGGGATCCCACTGGGAATGGAGAAGTTCCCCATATAAAAGGCCGGGAGCGTGT-3'
Protein context (NP_000395.3, residues 556-576): FSIPSGIPDL[Pro566His]QDTFIQFPGW

ClinVar aggregate classification (germline): Pathogenic (1 of 4 stars; one submission).

Conditions:
GM1 gangliosidosis. Identifiers: Orphanet 354, MedGen C0085131, MONDO:0018149.
Mucopolysaccharidosis, MPS-IV-B (MPS4B). Also called: MORQUIO SYNDROME B; Mucopolysaccharidosis Type IVB; Mucopolysaccharidosis type IV B; Mucopolysaccharidosis Type IVB (Morquio B Disease); Mucopolysaccharidosis type 4B; Mucopolysaccharidosis type IVB (Morquio). Identifiers: Orphanet 309310, Orphanet 582, MedGen C0086652, MONDO:0009660, OMIM 253010.

Submission:

Labcorp Genetics (formerly Invitae), Labcorp
Classification: Pathogenic for Mucopolysaccharidosis, MPS-IV-B; GM1 gangliosidosis. Last evaluated: 2020-01-11. Review status: criteria provided, single submitter. Criteria: Invitae Variant Classification Sherloc (09022015). Collection method: clinical testing. Allele origin: germline.
Comment: For these reasons, this variant has been classified as Pathogenic. Advanced modeling of protein sequence and biophysical properties (such as structural, functional, and spatial information, amino acid conservation, physicochemical variation, residue mobility, and thermodynamic stability) performed at Invitae indicates that this missense variant is expected to disrupt GLB1 protein function. This variant has been observed in individual(s) with GM1-gangliosidosis (Invitae). In at least one individual the data is consistent with the variant being in trans (on the opposite chromosome) from a pathogenic variant. ClinVar contains an entry for this variant (Variation ID: 645125). This variant is not present in population databases (ExAC no frequency). This sequence change replaces proline with histidine at codon 566 of the GLB1 protein (p.Pro566His). The proline residue is highly conserved and there is a moderate physicochemical difference between proline and histidine.